The following is an entry in ClinVar:

NM_001035.3(RYR2):c.14527C>G (p.Arg4843Gly)

Gene: RYR2 (ryanodine receptor 2; plus strand). Cytogenetic location: 1q43.
Variant type: single nucleotide variant.
Coding change: c.14527C>G on transcript NM_001035.3 (MANE Select); coding-DNA position 14527, C replaced by G.
Protein change: p.Arg4843Gly; replaces arginine 4843 with glycine.
Molecular consequence: missense variant.
Genome position (GRCh38, 1-based): chr1:237,819,129, C>G. VCF-style: chr1-237819129-C-G. GRCh37 (hg19) VCF-style: chr1-237982429-C-G.
Other names: short protein forms R4843G.
Identifiers: ClinVar variation 3633850 (VCV003633850.2).

ClinVar aggregate classification (germline): Uncertain significance (1 of 4 stars; one submission).

Conditions:
Catecholaminergic polymorphic ventricular tachycardia 1. Also called: VENTRICULAR TACHYCARDIA, CATECHOLAMINERGIC POLYMORPHIC, 1, WITH OR WITHOUT ATRIAL DYSFUNCTION AND/OR DILATED CARDIOMYOPATHY; RYR2-Related Catecholaminergic Polymorphic Ventricular Tachycardia; VENTRICULAR TACHYCARDIA, STRESS-INDUCED POLYMORPHIC 1. Identifiers: Orphanet 3286, MedGen C1631597, MONDO:0011484, OMIM 604772.

Submission:

Labcorp Genetics (formerly Invitae), Labcorp
Classification: Uncertain significance for Catecholaminergic polymorphic ventricular tachycardia 1. Last evaluated: 2024-09-11. Review status: criteria provided, single submitter. Criteria: Invitae Variant Classification Sherloc (09022015). Collection method: clinical testing. Allele origin: germline.
Comment: This sequence change replaces arginine, which is basic and polar, with glycine, which is neutral and non-polar, at codon 4843 of the RYR2 protein (p.Arg4843Gly). This variant is not present in population databases (gnomAD no frequency). This variant has not been reported in the literature in individuals affected with RYR2-related conditions. Invitae Evidence Modeling of protein sequence and biophysical properties (such as structural, functional, and spatial information, amino acid conservation, physicochemical variation, residue mobility, and thermodynamic stability) indicates that this missense variant is expected to disrupt RYR2 protein function with a positive predictive value of 95%. In summary, the available evidence is currently insufficient to determine the role of this variant in disease. Therefore, it has been classified as a Variant of Uncertain Significance.